The following is an entry in ClinVar:

ClinVar aggregate classification (germline): Pathogenic (1 of 4 stars; one submission).

Conditions:
2-aminoadipic 2-oxoadipic aciduria (AAKAD). Also called: Aminoadipic aciduria; ALPHA-AMINOADIPIC AND ALPHA-KETOADIPIC ACIDURIA. Identifiers: Orphanet 79154, MedGen C1859817, MONDO:0008774, OMIM 204750.

Submission:

Labcorp Genetics (formerly Invitae), Labcorp
Classification: Pathogenic for 2-aminoadipic 2-oxoadipic aciduria. Last evaluated: 2022-03-19. Review status: criteria provided, single submitter. Criteria: Invitae Variant Classification Sherloc (09022015). Collection method: clinical testing. Allele origin: germline.
Comment: This variant is a gross deletion of the genomic region encompassing exon(s) 5-6 of the DHTKD1 gene. This deletion is out-of-frame, and is expected to create a premature termination codon and result in an absent or disrupted protein product. Loss-of-function variants in DHTKD1 are known to be pathogenic (PMID: 23141293, 25860818). For these reasons, this variant has been classified as Pathogenic. This variant has not been reported in the literature in individuals affected with DHTKD1-related conditions.

Literature cited by the submitters: PubMed 23141293; PubMed 25860818.

NC_000010.10:g.(?_12130965)_(12133703_?)del

Gene: DHTKD1 (dehydrogenase E1 and transketolase domain containing 1; plus strand). Cytogenetic location: 10p14.
Variant type: Deletion.
Identifiers: ClinVar variation 2426491 (VCV002426491.6).